The following is an entry in ClinVar:

NM_004519.4(KCNQ3):c.2196_2198dup (p.Thr733_Pro734insThr)

Gene: KCNQ3 (potassium voltage-gated channel subfamily Q member 3; minus strand). Cytogenetic location: 8q24.22.
Variant type: Duplication.
Coding change: c.2196_2198dup on transcript NM_004519.4 (MANE Select); coding-DNA positions 2196 to 2198, 3 bases duplicated (AAC; older notation c.2196_2198dupAAC).
Protein change: p.Thr733_Pro734insThr.
Molecular consequence: inframe insertion.
Genome position (GRCh38, 1-based): chr8:132,129,683-132,129,685, GTT duplicated on the plus strand (AAC on the coding strand, the reverse complement: KCNQ3 is on the minus strand); duplicating any 3 consecutive bases within chr8:132,129,683-132,129,686 gives the same sequence; the c. name uses the placement nearest the transcript's 3' end. VCF-style (leftmost placement, unchanged base first): chr8-132129682-A-AGTT. GRCh37 (hg19) VCF-style: chr8-133141929-A-AGTT.
Other names: c.1836_1838dup, p.Thr613_Pro614insThr (NM_001204824.2); c.2196_2198dupAAC (NM_004519.3).
Identifiers: ClinVar variation 2181545 (VCV002181545.5), dbSNP rs1411270454, ClinGen allele CA847606961.

ClinVar aggregate classification (germline): Uncertain significance. Review status: criteria provided, multiple submitters, no conflicts (2 of 4 stars). 2 submissions from 2 submitters: Uncertain significance (2). Last evaluated 2025-03-03.

Conditions:
Inborn genetic diseases. Identifiers: MedGen C0950123, MeSH D030342.
Benign neonatal seizures. Also called: Convulsions benign familial neonatal dominant form; Autosomal dominant form of benign neonatal seizures; Benign familial neonatal epilepsy; Benign familial neonatal seizures; Benign neonatal familial convulsions. Identifiers: Orphanet 1949, MedGen C0220669, MONDO:0016027.

Submissions (2):

Labcorp Genetics (formerly Invitae), Labcorp
Classification: Uncertain significance for Benign neonatal seizures. Last evaluated: 2025-03-03. Review status: criteria provided, single submitter. Criteria: Invitae Variant Classification Sherloc (09022015). Collection method: clinical testing. Allele origin: germline.
Comment: This variant, c.2196_2198dup, results in the insertion of 1 amino acid(s) of the KCNQ3 protein (p.Thr733dup), but otherwise preserves the integrity of the reading frame. This variant is not present in population databases (gnomAD no frequency). This variant has not been reported in the literature in individuals affected with KCNQ3-related conditions. ClinVar contains an entry for this variant (Variation ID: 2181545). In summary, the available evidence is currently insufficient to determine the role of this variant in disease. Therefore, it has been classified as a Variant of Uncertain Significance.

Ambry Genetics
Classification: Uncertain significance for Inborn genetic diseases. Last evaluated: 2024-12-19. Review status: criteria provided, single submitter. Criteria: Ambry Variant Classification Scheme 2023. Collection method: clinical testing. Allele origin: germline.
Comment: The c.2196_2198dupAAC (p.T733dup) alteration, located in coding exon 15 of the KCNQ3 gene, results from an in-frame duplication of 3 nucleotides at positions 2196 to 2198. This results in the duplication of a threonine residue at codon 733. This alteration is predicted to be neutral by in silico analysis (Choi, 2012). Based on insufficient or conflicting evidence, the clinical significance of this alteration remains unclear.